The following is an entry in ClinVar:

ClinVar aggregate classification (germline): Uncertain significance (1 of 4 stars; one submission).

Allele frequency attached by ClinVar (database versions not stated): gnomAD 0.00001; gnomAD exomes 0.00001; ExAC 0.00002.

Submission:

Labcorp Genetics (formerly Invitae), Labcorp
Classification: Uncertain significance. Last evaluated: 2019-10-07. Review status: criteria provided, single submitter. Criteria: Invitae Variant Classification Sherloc (09022015). Collection method: clinical testing. Allele origin: germline.
Comment: In summary, the available evidence is currently insufficient to determine the role of this variant in disease. Therefore, it has been classified as a Variant of Uncertain Significance. The current clinical and genetic evidence is not sufficient to establish whether loss-of-function variants in ADGRA3 cause disease. This variant has not been reported in the literature in individuals with ADGRA3-related conditions. This variant is present in population databases (rs752436150, ExAC 0.003%). This sequence change creates a premature translational stop signal (p.Val666Glyfs*22) in the ADGRA3 gene. It is expected to result in an absent or disrupted protein product.

NM_145290.4(ADGRA3):c.1994dup (p.Val666fs)

Gene: ADGRA3 (adhesion G protein-coupled receptor A3; minus strand). Cytogenetic location: 4p15.2.
Variant type: Duplication.
Coding change: c.1994dup on transcript NM_145290.4 (MANE Select); coding-DNA position 1994, one base duplicated (T; older notation c.1994dupT).
Protein change: p.Val666fs; shifts the reading frame from valine 666.
Molecular consequence: frameshift variant.
Genome position (GRCh38, 1-based): chr4:22,413,630, A duplicated on the plus strand (T on the coding strand, the reverse complement: ADGRA3 is on the minus strand). VCF-style (leftmost placement, unchanged base first): chr4-22413629-C-CA. GRCh37 (hg19) VCF-style: chr4-22415252-C-CA.
Other names: short protein forms V666fs.
Identifiers: ClinVar variation 969006 (VCV000969006.7), dbSNP rs752436150, ClinGen allele CA2873768.